The following is an entry in ClinVar:

ClinVar aggregate classification (germline): Conflicting classifications of pathogenicity. Review status: criteria provided, conflicting classifications (1 of 4 stars). 8 submissions from 8 submitters: Likely pathogenic (7); Uncertain significance (1). Last evaluated 2025-11-04.

Conditions:
Retinitis pigmentosa 25 (RP25). Identifiers: Orphanet 791, MedGen C1864446, MONDO:0011272, OMIM 602772.

Allele frequency attached by ClinVar (database versions not stated): gnomAD exomes 0.00001 and 0.00005; TOPMed 0.00001; gnomAD 0.00003 and 0.00004; ExAC 0.00010.
gnomAD v4.1: 21 of 1,454,700 alleles (0.0014%); highest among the groups gnomAD compares: Middle Eastern, 0.036%; no homozygotes.

Submissions (8):

Natera, Inc.
Classification: Likely pathogenic for Retinitis pigmentosa type 25. Last evaluated: 2025-11-04. Review status: criteria provided, single submitter. Criteria: Natera Variant Classification Schema (03/2026). Collection method: clinical testing. Allele origin: germline.
Comment: The c.3878-2A>G variant in EYS is a canonical splice acceptor site variant predicted to affect pre-mRNA splicing, which may result in an abnormal transcript and altered protein product. This variant is expected to result in nonsense mediated decay, truncation, or a dysfunctional protein product. This variant is rare in the general population with a frequency below the threshold expected for the associated phenotype(s). Given the available evidence, this variant is classified as Likely Pathogenic.

First Genomix Gene Laboratory, Genetic Diagnostics Department
Classification: Likely pathogenic for Retinitis pigmentosa 25. Last evaluated: 2025-09-03. Review status: criteria provided, single submitter. Criteria: ACMG Guidelines, 2015. Collection method: clinical testing. Allele origin: germline. Inheritance: Autosomal recessive inheritance. Affected: no. Observed: 1 variant allele.

Labcorp Genetics (formerly Invitae), Labcorp
Classification: Likely pathogenic. Last evaluated: 2024-11-11. Review status: criteria provided, single submitter. Criteria: Invitae Variant Classification Sherloc (09022015). Collection method: clinical testing. Allele origin: germline.
Comment: This sequence change affects an acceptor splice site in intron 25 of the EYS gene. It is expected to disrupt RNA splicing. Variants that disrupt the donor or acceptor splice site typically lead to a loss of protein function (PMID: 16199547), and loss-of-function variants in EYS are known to be pathogenic (PMID: 18836446, 20333770). This variant is present in population databases (rs752930400, gnomAD 0.02%). This variant has not been reported in the literature in individuals affected with EYS-related conditions. ClinVar contains an entry for this variant (Variation ID: 624253). Algorithms developed to predict the effect of sequence changes on RNA splicing suggest that this variant may disrupt the consensus splice site. In summary, the currently available evidence indicates that the variant is pathogenic, but additional data are needed to prove that conclusively. Therefore, this variant has been classified as Likely Pathogenic.

Blueprint Genetics
Classification: Uncertain significance. Last evaluated: 2024-05-20. Review status: criteria provided, single submitter. Criteria: ACMG Guidelines, 2015. Collection method: clinical testing. Allele origin: germline.

Fulgent Genetics
Classification: Likely pathogenic for Retinitis pigmentosa 25. Last evaluated: 2024-03-29. Review status: criteria provided, single submitter. Criteria: ACMG Guidelines, 2015. Collection method: clinical testing. Allele origin: germline.

Baylor Genetics
Classification: Likely pathogenic for Retinitis pigmentosa 25. Last evaluated: 2024-03-07. Review status: criteria provided, single submitter. Criteria: ACMG Guidelines, 2015. Collection method: clinical testing. Allele origin: unknown.

Revvity Omics, Revvity
Classification: Likely pathogenic for Retinitis pigmentosa 25. Last evaluated: 2022-03-14. Review status: criteria provided, single submitter. Criteria: ACMG Guidelines, 2015. Collection method: clinical testing. Allele origin: germline.

CeGaT Center for Human Genetics Tuebingen
Classification: Likely pathogenic. Last evaluated: 2018-06-01. Review status: criteria provided, single submitter. Criteria: CeGaT Center For Human Genetics Tuebingen Variant Classification Criteria Version 2. Collection method: clinical testing. Allele origin: germline. Affected: yes. Observed: 1 variant allele.

Literature cited by the submitters: PubMed 16199547 (cited by Labcorp Genetics (formerly Invitae), Labcorp); PubMed 18836446 (cited by Labcorp Genetics (formerly Invitae), Labcorp); PubMed 20333770 (cited by Labcorp Genetics (formerly Invitae), Labcorp).

NM_001142800.2(EYS):c.3878-2A>G

Gene: EYS (EGF-like photoreceptor maintenance factor; minus strand). Cytogenetic location: 6q12.
Variant type: single nucleotide variant.
Coding change: c.3878-2A>G on transcript NM_001142800.2 (MANE Select); the canonical splice acceptor site of the intron before coding-DNA position 3878, A replaced by G.
Molecular consequence: splice acceptor variant.
Genome position (GRCh38, 1-based): chr6:64,591,991, T>C on the plus strand (A>G on the coding strand, the complement: EYS is on the minus strand). VCF-style: chr6-64591991-T-C. GRCh37 (hg19) VCF-style: chr6-65301884-T-C.
Other names: c.3878-2A>G (NM_001292009.2).
Identifiers: ClinVar variation 624253 (VCV000624253.61), dbSNP rs752930400, ClinGen allele CA3877117.